The following is an entry in ClinVar:

ClinVar aggregate classification (germline): Uncertain significance (1 of 4 stars; one submission).

Allele frequency attached by ClinVar (database versions not stated): ESP Exome Variant Server 0.00008.
gnomAD v4.1: 10 of 1,614,034 alleles (0.00062%); highest among the groups gnomAD compares: Non-Finnish European, 0.00076%; no homozygotes.

Submission:

Labcorp Genetics (formerly Invitae), Labcorp
Classification: Uncertain significance. Last evaluated: 2025-09-06. Review status: criteria provided, single submitter. Criteria: Invitae Variant Classification Sherloc (09022015). Collection method: clinical testing. Allele origin: germline.
Comment: This sequence change replaces proline, which is neutral and non-polar, with arginine, which is basic and polar, at codon 302 of the COL9A2 protein (p.Pro302Arg). This variant is present in population databases (rs369110014, gnomAD 0.002%). This variant has not been reported in the literature in individuals affected with COL9A2-related conditions. ClinVar contains an entry for this variant (Variation ID: 2915755). Invitae Evidence Modeling of protein sequence and biophysical properties (such as structural, functional, and spatial information, amino acid conservation, physicochemical variation, residue mobility, and thermodynamic stability) indicates that this missense variant is not expected to disrupt COL9A2 protein function with a negative predictive value of 95%. In summary, the available evidence is currently insufficient to determine the role of this variant in disease. Therefore, it has been classified as a Variant of Uncertain Significance.

NM_001852.4(COL9A2):c.905C>G (p.Pro302Arg)

Gene: COL9A2 (collagen type IX alpha 2 chain; minus strand). Cytogenetic location: 1p34.2.
Variant type: single nucleotide variant.
Coding change: c.905C>G on transcript NM_001852.4 (MANE Select); coding-DNA position 905, C replaced by G.
Protein change: p.Pro302Arg; replaces proline 302 with arginine.
Molecular consequence: missense variant.
Genome position (GRCh38, 1-based): chr1:40,307,752, G>C on the plus strand (C>G on the coding strand, the complement: COL9A2 is on the minus strand). VCF-style: chr1-40307752-G-C. GRCh37 (hg19) VCF-style: chr1-40773424-G-C.
Other names: short protein forms P302R.
Identifiers: ClinVar variation 2915755 (VCV002915755.3), dbSNP rs369110014, ClinGen allele CA791673.